The following is an entry in ClinVar:

ClinVar aggregate classification (germline): Likely pathogenic (1 of 4 stars; one submission).

Conditions:
Primary ciliary dyskinesia. Also called: Ciliary dyskinesia. Identifiers: Orphanet 244, MedGen C0008780, MONDO:0016575, HP:0012265.

Submission:

Labcorp Genetics (formerly Invitae), Labcorp
Classification: Likely pathogenic for Primary ciliary dyskinesia. Last evaluated: 2022-12-29. Review status: criteria provided, single submitter. Criteria: Invitae Variant Classification Sherloc (09022015). Collection method: clinical testing. Allele origin: germline.
Comment: This variant is not present in population databases (gnomAD no frequency). This sequence change affects a donor splice site in intron 24 of the DNAH11 gene. It is expected to disrupt RNA splicing. Variants that disrupt the donor or acceptor splice site typically lead to a loss of protein function (PMID: 16199547), and loss-of-function variants in DNAH11 are known to be pathogenic (PMID: 18022865, 20513915, 22184204). This variant has not been reported in the literature in individuals affected with DNAH11-related conditions. Algorithms developed to predict the effect of sequence changes on RNA splicing suggest that this variant may disrupt the consensus splice site. In summary, the currently available evidence indicates that the variant is pathogenic, but additional data are needed to prove that conclusively. Therefore, this variant has been classified as Likely Pathogenic.

Literature cited by the submitters: PubMed 16199547; PubMed 18022865; PubMed 20513915; PubMed 22184204.

NM_001277115.2(DNAH11):c.4377+1G>A

Gene: DNAH11 (dynein axonemal heavy chain 11; plus strand). Cytogenetic location: 7p15.3.
Variant type: single nucleotide variant.
Coding change: c.4377+1G>A on transcript NM_001277115.2 (MANE Select); the canonical splice donor site of the intron after coding-DNA position 4377, G replaced by A.
Molecular consequence: splice donor variant.
Genome position (GRCh38, 1-based): chr7:21,619,223, G>A. VCF-style: chr7-21619223-G-A. GRCh37 (hg19) VCF-style: chr7-21658841-G-A.
Identifiers: ClinVar variation 2824676 (VCV002824676.3), dbSNP rs2534707554, ClinGen allele CA366952733.